The following is an entry in ClinVar:

NM_015443.4(KANSL1):c.1118G>C (p.Ser373Thr)

Gene: KANSL1 (KAT8 regulatory NSL complex subunit 1). Cytogenetic location: 17q21.31.
Variant type: single nucleotide variant.
Coding change: c.1118G>C on transcript NM_015443.4 (MANE Select); coding-DNA position 1118, G replaced by C.
Protein change: p.Ser373Thr; replaces serine 373 with threonine.
Molecular consequence: missense variant.
Genome position (GRCh38, 1-based): chr17:46,171,026, C>G on the plus strand (G>C on the coding strand, the complement: KANSL1 is on the minus strand). VCF-style: chr17-46171026-C-G. GRCh37 (hg19) VCF-style: chr17-44248392-C-G.
Other names: c.1118G>C, p.Ser373Thr (NM_001193465.2, NM_001193466.2, NM_001379198.1); short protein forms S373T.
Identifiers: ClinVar variation 380644 (VCV000380644.10), dbSNP rs747621748, ClinGen allele CA8618888.

ClinVar aggregate classification (germline): Conflicting classifications of pathogenicity. Review status: criteria provided, conflicting classifications (1 of 4 stars). 2 submissions from 2 submitters: Uncertain significance (1); Likely benign (1). Last evaluated 2022-01-14.

Conditions:
Koolen-de Vries syndrome (KDVS). Identifiers: Orphanet 96169, MedGen C1864871, MONDO:0012496, OMIM 610443.

Allele frequency attached by ClinVar (database versions not stated): ExAC 0.00002; gnomAD exomes 0.00002.
gnomAD v4.1: 8 of 1,614,220 alleles (0.0005%); highest among the groups gnomAD compares: Admixed American, 0.013%; no homozygotes.

Submissions (2):

Labcorp Genetics (formerly Invitae), Labcorp
Classification: Uncertain significance for Koolen-de Vries syndrome. Last evaluated: 2022-01-14. Review status: criteria provided, single submitter. Criteria: Invitae Variant Classification Sherloc (09022015). Collection method: clinical testing. Allele origin: germline.
Comment: This variant is present in population databases (rs747621748, gnomAD 0.02%). Until the location of this sequence change can be resolved, the clinical significance of this variant remains uncertain. It has been classified as a Variant of Uncertain Significance. Algorithms developed to predict the effect of missense changes on protein structure and function are either unavailable or do not agree on the potential impact of this missense change (SIFT: "Tolerated"; PolyPhen-2: "Possibly Damaging"; Align-GVGD: "Class C0"). ClinVar contains an entry for this variant (Variation ID: 380644). This variant has not been reported in the literature in individuals with KANSL1-related conditions. This sequence change replaces serine, which is neutral and polar, with threonine, which is neutral and polar, at codon 373 of the KANSL1 protein (p.Ser373Thr). Due to the possible presence of a polymorphic segmental duplication, the location of the variant could not be unambiguously resolved. Variants with ambiguous mapping are still reported relative to the KANSL1 transcript.

GeneDx
Classification: Likely benign. Last evaluated: 2015-09-17. Review status: criteria provided, single submitter. Criteria: GeneDx Variant Classification (06012015). Collection method: clinical testing. Allele origin: germline. Affected: yes.
Comment: This variant is considered likely benign or benign based on one or more of the following criteria: it is a conservative change, it occurs at a poorly conserved position in the protein, it is predicted to be benign by multiple in silico algorithms, and/or has population frequency not consistent with disease.